The following is an entry in ClinVar:

ClinVar aggregate classification (germline): Uncertain significance (1 of 4 stars; one submission).

Conditions:
Norman-Roberts syndrome (LIS2). Also called: Lissencephaly 2 (Norman-Roberts type). Identifiers: Orphanet 89844, MedGen C0796089, MONDO:0009760, OMIM 257320.
Familial temporal lobe epilepsy 7. Identifiers: Orphanet 101046, MedGen C4225327, MONDO:0014639, OMIM 616436.

Allele frequency attached by ClinVar (database versions not stated): gnomAD exomes below 0.00001.
gnomAD v4.1: 1 of 1,613,816 alleles (0.000062%); highest among the groups gnomAD compares: Non-Finnish European, 0.000085%; no homozygotes.

Submission:

Labcorp Genetics (formerly Invitae), Labcorp
Classification: Uncertain significance for Familial temporal lobe epilepsy 7; Norman-Roberts syndrome. Last evaluated: 2021-10-09. Review status: criteria provided, single submitter. Criteria: Invitae Variant Classification Sherloc (09022015). Collection method: clinical testing. Allele origin: germline.
Comment: This variant is not present in population databases (ExAC no frequency). In summary, the available evidence is currently insufficient to determine the role of this variant in disease. Therefore, it has been classified as a Variant of Uncertain Significance. Algorithms developed to predict the effect of missense changes on protein structure and function (SIFT, PolyPhen-2, Align-GVGD) all suggest that this variant is likely to be tolerated. This variant has not been reported in the literature in individuals affected with RELN-related conditions. This sequence change replaces aspartic acid with glutamic acid at codon 1082 of the RELN protein (p.Asp1082Glu). The aspartic acid residue is moderately conserved and there is a small physicochemical difference between aspartic acid and glutamic acid.

NM_005045.4(RELN):c.3246C>A (p.Asp1082Glu)

Gene: RELN (reelin; minus strand). Cytogenetic location: 7q22.1.
Variant type: single nucleotide variant.
Coding change: c.3246C>A on transcript NM_005045.4 (MANE Select); coding-DNA position 3246, C replaced by A.
Protein change: p.Asp1082Glu; replaces aspartic acid 1082 with glutamic acid.
Molecular consequence: missense variant.
Genome position (GRCh38, 1-based): chr7:103,603,391, G>T on the plus strand (C>A on the coding strand, the complement: RELN is on the minus strand). VCF-style: chr7-103603391-G-T. GRCh37 (hg19) VCF-style: chr7-103243838-G-T.
Other names: c.3246C>A, p.Asp1082Glu (NM_173054.3); short protein forms D1082E.
Identifiers: ClinVar variation 1385583 (VCV001385583.6), dbSNP rs1562917138, ClinGen allele CA368763093.